The following is an entry in ClinVar:

NM_018417.6(ADCY10):c.352G>C (p.Val118Leu)

Genes: ADCY10 (adenylate cyclase 10; minus strand), DCAF6 (DDB1 and CUL4 associated factor 6; plus strand). Cytogenetic location: 1q24.2.
Variant type: single nucleotide variant.
Coding change: c.352G>C on transcript NM_018417.6 (MANE Select); coding-DNA position 352, G replaced by C.
Protein change: p.Val118Leu; replaces valine 118 with leucine.
Molecular consequence: missense variant. On other transcripts: intron variant (1).
Genome position (GRCh38, 1-based): chr1:167,901,746, C>G on the plus strand (G>C on the coding strand, the complement: ADCY10 is on the minus strand). VCF-style: chr1-167901746-C-G. GRCh37 (hg19) VCF-style: chr1-167870984-C-G.
Other names: c.76G>C, p.Val26Leu (NM_001297772.2); c.-24+270G>C (NM_001167749.3); short protein forms V118L, V26L.
Identifiers: ClinVar variation 4874141 (VCV004874141.2).

ClinVar aggregate classification (germline): Uncertain significance (1 of 4 stars; one submission).

gnomAD v4.1: 5 of 1,614,208 alleles (0.00031%); highest among the groups gnomAD compares: Non-Finnish European, 0.00042%; no homozygotes.

Submission:

CeGaT Center for Human Genetics Tuebingen
Classification: Uncertain significance. Last evaluated: 2026-05-01. Review status: criteria provided, single submitter. Criteria: CeGaT Center For Human Genetics Tuebingen Variant Classification Criteria Version 2. Collection method: clinical testing. Allele origin: germline. Affected: yes. Observed: 1 variant allele.
Comment: ADCY10: PM2